The following is an entry in ClinVar:

ClinVar aggregate classification (germline): Likely pathogenic (1 of 4 stars; one submission).

Conditions:
Hereditary spastic paraplegia 15 (SPG15). Also called: SPASTIC PARAPLEGIA 15, AUTOSOMAL RECESSIVE; KJELLIN SYNDROME; SPASTIC PARAPLEGIA AND RETINAL DEGENERATION. Identifiers: Orphanet 100996, MedGen C1849128, MONDO:0010044, OMIM 270700.

Submission:

Myriad Genetics, Inc.
Classification: Likely pathogenic for Hereditary spastic paraplegia 15. Last evaluated: 2026-05-19. Review status: criteria provided, single submitter. Criteria: Myriad Autosomal Dominant, Autosomal Recessive and X-Linked Classification Criteria (2023). Collection method: clinical testing. Allele origin: unknown.
Comment: NM_015346.3(ZFYVE26):c.5609dupA(Y1870*) is a nonsense variant classified as likely pathogenic in the context of spastic paraplegia type 15. Y1870* has not been observed in cases with relevant disease. Relevant functional assessments of this variant are not available in the literature. Y1870* has not been observed in referenced population frequency databases. In summary, NM_015346.3(ZFYVE26):c.5609dupA(Y1870*) is a nonsense variant in a gene where loss of function is a known mechanism of disease and is predicted to disrupt protein function. Please note: this variant was assessed in the context of healthy population screening.

NM_015346.4(ZFYVE26):c.5609dup (p.Tyr1870Ter)

Gene: ZFYVE26 (zinc finger FYVE-type containing 26; minus strand). Cytogenetic location: 14q24.1.
Variant type: Duplication.
Coding change: c.5609dup on transcript NM_015346.4 (MANE Select); coding-DNA position 5609, one base duplicated (A; older notation c.5609dupA).
Protein change: p.Tyr1870Ter; replaces tyrosine 1870 with a stop codon.
Molecular consequence: nonsense.
Genome position (GRCh38, 1-based): chr14:67,769,606, T duplicated on the plus strand (A on the coding strand, the reverse complement: ZFYVE26 is on the minus strand). VCF-style (leftmost placement, unchanged base first): chr14-67769605-G-GT. GRCh37 (hg19) VCF-style: chr14-68236322-G-GT.
Other names: short protein forms Y1870*.
Identifiers: ClinVar variation 5004686 (VCV005004686.1).